The following is an entry in ClinVar:

NM_006073.4(TRDN):c.923C>T (p.Ala308Val)

Genes: TRDN (triadin; minus strand), TRDN-AS1 (TRDN antisense RNA 1; plus strand). Cytogenetic location: 6q22.31.
Variant type: single nucleotide variant.
Coding change: c.923C>T on transcript NM_006073.4 (MANE Select); coding-DNA position 923, C replaced by T.
Protein change: p.Ala308Val; replaces alanine 308 with valine.
Molecular consequence: missense variant.
Genome position (GRCh38, 1-based): chr6:123,464,914, G>A on the plus strand (C>T on the coding strand, the complement: TRDN is on the minus strand). VCF-style: chr6-123464914-G-A. GRCh37 (hg19) VCF-style: chr6-123786059-G-A.
Other names: c.923C>T, p.Ala308Val (NM_001251987.2); c.863C>T, p.Ala288Val (NM_001256020.2); short protein forms A288V, A308V.
Identifiers: ClinVar variation 1035212 (VCV001035212.10), dbSNP rs1776696081, ClinGen allele CA365566869.
Genomic context (GRCh38, chr6:123,464,914, plus strand): 5'-ACATTCTATTTTATCTACAATAGAGATCTTTAAGAAAAAAAAAAGTACTTGCCTTCAAGG[G>A]CAGGTGATGCCGGAGTGGGTCTGGAAGCTTGTTCTGTCGGTAAGGGAGGTGGAATGGCTG-3'
Protein context (NP_006064.2, residues 298-318): QASRPTPASP[Ala308Val]LEEKEGEKKK

ClinVar aggregate classification (germline): Uncertain significance (1 of 4 stars; one submission).

Conditions:
Catecholaminergic polymorphic ventricular tachycardia 1. Also called: RYR2-Related Catecholaminergic Polymorphic Ventricular Tachycardia; VENTRICULAR TACHYCARDIA, STRESS-INDUCED POLYMORPHIC 1; VENTRICULAR TACHYCARDIA, CATECHOLAMINERGIC POLYMORPHIC, 1, WITH OR WITHOUT ATRIAL DYSFUNCTION AND/OR DILATED CARDIOMYOPATHY. Identifiers: Orphanet 3286, MedGen C1631597, MONDO:0011484, OMIM 604772.

Allele frequency attached by ClinVar (database versions not stated): gnomAD exomes below 0.00001.
gnomAD v4.1: 1 of 1,587,262 alleles (0.000063%); highest among the groups gnomAD compares: Non-Finnish European, 0.000086%; no homozygotes.

Submission:

Labcorp Genetics (formerly Invitae), Labcorp
Classification: Uncertain significance for Catecholaminergic polymorphic ventricular tachycardia 1. Last evaluated: 2020-09-25. Review status: criteria provided, single submitter. Criteria: Invitae Variant Classification Sherloc (09022015). Collection method: clinical testing. Allele origin: germline.
Comment: This sequence change replaces alanine with valine at codon 308 of the TRDN protein (p.Ala308Val). The alanine residue is weakly conserved and there is a small physicochemical difference between alanine and valine. This variant is not present in population databases (ExAC no frequency). This variant has not been reported in the literature in individuals with TRDN-related conditions. Algorithms developed to predict the effect of missense changes on protein structure and function output the following: SIFT: "Deleterious"; PolyPhen-2: "Benign"; Align-GVGD: "Class C0". The valine amino acid residue is found in multiple mammalian species, suggesting that this missense change does not adversely affect protein function. These predictions have not been confirmed by published functional studies and their clinical significance is uncertain. In summary, the available evidence is currently insufficient to determine the role of this variant in disease. Therefore, it has been classified as a Variant of Uncertain Significance.